The following is an entry in ClinVar:

ClinVar aggregate classification (germline): Uncertain significance. Review status: criteria provided, multiple submitters, no conflicts (2 of 4 stars). 2 submissions from 2 submitters: Uncertain significance (2). Last evaluated 2023-07-19.

Conditions:
Telangiectasia, hereditary hemorrhagic, type 2 (HHT2). Also called: ACVRL1-Related Hereditary Hemorrhagic Telangiectasia; Telangiectasia, hereditary hemorrhagic, type II. Identifiers: Orphanet 774, MedGen C1838163, MONDO:0010880, OMIM 600376. Disease mechanism: loss of function.

Submissions (2):

Labcorp Genetics (formerly Invitae), Labcorp
Classification: Uncertain significance for Telangiectasia, hereditary hemorrhagic, type 2. Last evaluated: 2023-07-19. Review status: criteria provided, single submitter. Criteria: Invitae Variant Classification Sherloc (09022015). Collection method: clinical testing. Allele origin: germline.
Comment: In summary, the available evidence is currently insufficient to determine the role of this variant in disease. Therefore, it has been classified as a Variant of Uncertain Significance. This variant disrupts the p.Thr197 amino acid residue in ACVRL1. Other variant(s) that disrupt this residue have been observed in individuals with ACVRL1-related conditions (PMID: 16752392, 30578397), which suggests that this may be a clinically significant amino acid residue. Algorithms developed to predict the effect of sequence changes on RNA splicing suggest that this variant may disrupt the consensus splice site. Advanced modeling of protein sequence and biophysical properties (such as structural, functional, and spatial information, amino acid conservation, physicochemical variation, residue mobility, and thermodynamic stability) performed at Invitae indicates that this missense variant is expected to disrupt ACVRL1 protein function. This variant has not been reported in the literature in individuals affected with ACVRL1-related conditions. This variant is not present in population databases (gnomAD no frequency). This sequence change replaces threonine, which is neutral and polar, with alanine, which is neutral and non-polar, at codon 197 of the ACVRL1 protein (p.Thr197Ala).

Blueprint Genetics
Classification: Uncertain significance. Last evaluated: 2018-12-27. Review status: criteria provided, single submitter. Criteria: ACMG Guidelines, 2015. Collection method: clinical testing. Allele origin: germline.

Literature cited by the submitters: PubMed 16752392 (cited by Labcorp Genetics (formerly Invitae), Labcorp); PubMed 30578397 (cited by Labcorp Genetics (formerly Invitae), Labcorp).

NM_000020.3(ACVRL1):c.589A>G (p.Thr197Ala)

Gene: ACVRL1 (activin A receptor like type 1; plus strand). Cytogenetic location: 12q13.13.
Variant type: single nucleotide variant.
Coding change: c.589A>G on transcript NM_000020.3 (MANE Select); coding-DNA position 589, A replaced by G.
Protein change: p.Thr197Ala; replaces threonine 197 with alanine.
Molecular consequence: missense variant. On other transcripts: intron variant (6).
Genome position (GRCh38, 1-based): chr12:51,914,037, A>G. VCF-style: chr12-51914037-A-G. GRCh37 (hg19) VCF-style: chr12-52307821-A-G.
Other names: c.589A>G, p.Thr197Ala (NM_001077401.2, NM_001406487.1, NM_001406488.1 and 1 more transcripts); c.314-402A>G (NM_001406491.1, NM_001406490.1, NM_001406492.1 and 2 more transcripts); c.62-402A>G (NM_001406495.1); short protein forms T197A.
Identifiers: ClinVar variation 2745281 (VCV002745281.4), dbSNP rs2540161661, ClinGen allele CA384899764.